The following is an entry in ClinVar:

NM_024513.4(FYCO1):c.2036C>T (p.Ala679Val)

Gene: FYCO1 (FYVE and coiled-coil domain autophagy adaptor 1; minus strand). Cytogenetic location: 3p21.31.
Variant type: single nucleotide variant.
Coding change: c.2036C>T on transcript NM_024513.4 (MANE Select); coding-DNA position 2036, C replaced by T.
Protein change: p.Ala679Val; replaces alanine 679 with valine.
Molecular consequence: missense variant.
Genome position (GRCh38, 1-based): chr3:45,967,298, G>A on the plus strand (C>T on the coding strand, the complement: FYCO1 is on the minus strand). VCF-style: chr3-45967298-G-A. GRCh37 (hg19) VCF-style: chr3-46008790-G-A.
Other names: short protein forms A679V.
Identifiers: ClinVar variation 261722 (VCV000261722.17), dbSNP rs3796375, ClinGen allele CA2353125.
Genomic context (GRCh38, chr3:45,967,298, plus strand): 5'-TCCTTCTCTGCCATCTGGGCTTTCATGGCCTCCTTGGCCTTCCTTACAGCCAGCAAGCTC[G>A]CCTCCATCTGGTCACCCAAGTGCCGGATGCTGGCCTGCTCGGCCTCCAGGGAGGCCAAGG-3'
Protein context (NP_078789.2, residues 669-689): SIRHLGDQME[Ala679Val]SLLAVRKAKE

ClinVar aggregate classification (germline): Benign. Review status: criteria provided, multiple submitters, no conflicts (2 of 4 stars). 6 submissions from 6 submitters: Benign (6). Last evaluated 2026-01-28.

Conditions:
Cataract 18 (CATC2). Also called: CATARACT 18, AUTOSOMAL RECESSIVE. Identifiers: Orphanet 91492, Orphanet 98991, Orphanet 98992, Orphanet 98995, MedGen C1864908, MONDO:0012395, OMIM 610019.

Allele frequency attached by ClinVar (database versions not stated): ESP Exome Variant Server 0.33313; gnomAD 0.35386 and 0.36208; TOPMed 0.35631; 1000 Genomes Project 30x 0.38710; 1000 Genomes Project 0.39517; gnomAD exomes 0.42729 and 0.44316; ExAC 0.43032.
gnomAD v4.1: 679,558 of 1,613,460 alleles (42%); highest among the groups gnomAD compares: East Asian, 64%; 149,403 homozygotes.

Submissions (6):

Labcorp Genetics (formerly Invitae), Labcorp
Classification: Benign for Cataract 18. Last evaluated: 2026-01-28. Review status: criteria provided, single submitter. Criteria: Invitae Variant Classification Sherloc (09022015). Collection method: clinical testing. Allele origin: germline.

Genome-Nilou Lab
Classification: Benign for Cataract 18. Last evaluated: 2021-08-10. Review status: criteria provided, single submitter. Criteria: ACMG Guidelines, 2015. Collection method: clinical testing. Allele origin: germline. Affected: no.

GeneDx
Classification: Benign. Last evaluated: 2018-04-02. Review status: criteria provided, single submitter. Criteria: GeneDx Variant Classification (06012015). Collection method: clinical testing. Allele origin: germline. Affected: yes.
Comment: This variant is considered likely benign or benign based on one or more of the following criteria: it is a conservative change, it occurs at a poorly conserved position in the protein, it is predicted to be benign by multiple in silico algorithms, and/or has population frequency not consistent with disease.

Illumina Laboratory Services, Illumina
Classification: Benign for Cataract 18. Last evaluated: 2018-01-13. Review status: criteria provided, single submitter. Criteria: ICSL Variant Classification Criteria 13 December 2019. Collection method: clinical testing. Allele origin: germline.
Comment: This variant was observed in the ICSL laboratory as part of a predisposition screen in an ostensibly healthy population. It had not been previously curated by ICSL or reported in the Human Gene Mutation Database (HGMD: prior to June 1st, 2018), and was therefore a candidate for classification through an automated scoring system. Utilizing variant allele frequency, disease prevalence and penetrance estimates, and inheritance mode, an automated score was calculated to assess if this variant is too frequent to cause the disease. Based on the score and internal cut-off values, a variant classified as benign is not then subjected to further curation. The score for this variant resulted in a classification of benign for this disease.

Breakthrough Genomics
Classification: Benign. Review status: criteria provided, single submitter. Criteria: ACMG Guidelines, 2015. Collection method: not provided. Allele origin: germline. Inheritance: Autosomal recessive inheritance. Affected: yes.

PreventionGenetics, part of Exact Sciences
Classification: Benign. Review status: criteria provided, single submitter. Criteria: ACMG Guidelines, 2015. Collection method: clinical testing. Allele origin: germline.